The following is an entry in ClinVar:

ClinVar aggregate classification (germline): Uncertain significance (1 of 4 stars; one submission).

Conditions:
Early-infantile DEE. Also called: Ohtahara syndrome; Early infantile epileptic encephalopathy with suppression bursts; Early infantile epileptic encephalopathy. Identifiers: Orphanet 1934, MedGen C0393706, MONDO:0800491.

Submission:

Labcorp Genetics (formerly Invitae), Labcorp
Classification: Uncertain significance for Early-infantile DEE. Last evaluated: 2024-06-29. Review status: criteria provided, single submitter. Criteria: Invitae Variant Classification Sherloc (09022015). Collection method: clinical testing. Allele origin: germline.
Comment: This sequence change replaces valine, which is neutral and non-polar, with alanine, which is neutral and non-polar, at codon 1994 of the SCN1A protein (p.Val1994Ala). This variant is not present in population databases (gnomAD no frequency). This variant has not been reported in the literature in individuals affected with SCN1A-related conditions. Advanced modeling of protein sequence and biophysical properties (such as structural, functional, and spatial information, amino acid conservation, physicochemical variation, residue mobility, and thermodynamic stability) performed at Invitae indicates that this missense variant is not expected to disrupt SCN1A protein function with a negative predictive value of 95%. In summary, the available evidence is currently insufficient to determine the role of this variant in disease. Therefore, it has been classified as a Variant of Uncertain Significance.

NM_001165963.4(SCN1A):c.5981T>C (p.Val1994Ala)

Genes: SCN1A (sodium voltage-gated channel alpha subunit 1; minus strand), LOC102724058 (uncharacterized LOC102724058; plus strand). Cytogenetic location: 2q24.3.
Variant type: single nucleotide variant.
Coding change: c.5981T>C on transcript NM_001165963.4 (MANE Select); coding-DNA position 5981, T replaced by C.
Protein change: p.Val1994Ala; replaces valine 1994 with alanine.
Molecular consequence: missense variant. On other transcripts: non-coding transcript variant (1).
Genome position (GRCh38, 1-based): chr2:165,991,294, A>G on the plus strand (T>C on the coding strand, the complement: SCN1A is on the minus strand). VCF-style: chr2-165991294-A-G. GRCh37 (hg19) VCF-style: chr2-166847804-A-G.
Other names: c.5897T>C, p.Val1966Ala (NM_001165964.3, NM_001353957.2, NM_001353958.2); c.5981T>C, p.Val1994Ala (NM_001202435.3, NM_001353948.2); c.5948T>C, p.Val1983Ala (NM_001353949.2, NM_001353950.2, NM_001353951.2 and 2 more transcripts); c.5945T>C, p.Val1982Ala (NM_001353954.2, NM_001353955.2); c.5894T>C, p.Val1965Ala (NM_001353960.2); c.3539T>C, p.Val1180Ala (NM_001353961.2); short protein forms V1983A, V1965A, V1982A, V1180A, V1966A, V1994A.
Identifiers: ClinVar variation 3689287 (VCV003689287.2).